The following is an entry in ClinVar:

ClinVar aggregate classification (germline): Uncertain significance. Review status: criteria provided, multiple submitters, no conflicts (2 of 4 stars). 2 submissions from 2 submitters: Uncertain significance (2). Last evaluated 2022-08-26.

Conditions:
Alstrom syndrome (ALMS). Identifiers: Orphanet 64, MedGen C0268425, MONDO:0008763, OMIM 203800.

Submissions (2):

Labcorp Genetics (formerly Invitae), Labcorp
Classification: Uncertain significance for Alstrom syndrome. Last evaluated: 2022-08-26. Review status: criteria provided, single submitter. Criteria: Invitae Variant Classification Sherloc (09022015). Collection method: clinical testing. Allele origin: germline.
Comment: This sequence change replaces proline, which is neutral and non-polar, with serine, which is neutral and polar, at codon 90 of the ALMS1 protein (p.Pro90Ser). This variant is not present in population databases (gnomAD no frequency). This variant has not been reported in the literature in individuals affected with ALMS1-related conditions. ClinVar contains an entry for this variant (Variation ID: 1033322). Experimental studies and prediction algorithms are not available or were not evaluated, and the functional significance of this variant is currently unknown. In summary, the available evidence is currently insufficient to determine the role of this variant in disease. Therefore, it has been classified as a Variant of Uncertain Significance.

Baylor Genetics
Classification: Uncertain significance for Alstrom syndrome. Last evaluated: 2018-02-13. Review status: criteria provided, single submitter. Criteria: ACMG Guidelines, 2015. Collection method: clinical testing. Allele origin: paternal. Affected: yes.
Comment: This variant was determined to be of uncertain significance according to ACMG Guidelines, 2015 [PMID:25741868].

NM_001378454.1(ALMS1):c.265C>T (p.Pro89Ser)

Gene: ALMS1 (ALMS1 centrosome and basal body associated protein; plus strand). Cytogenetic location: 2p13.1.
Variant type: single nucleotide variant.
Coding change: c.265C>T on transcript NM_001378454.1 (MANE Select); coding-DNA position 265, C replaced by T.
Protein change: p.Pro89Ser; replaces proline 89 with serine.
Molecular consequence: missense variant.
Genome position (GRCh38, 1-based): chr2:73,386,133, C>T. VCF-style: chr2-73386133-C-T. GRCh37 (hg19) VCF-style: chr2-73613261-C-T.
Other names: c.268C>T, p.Pro90Ser (NM_015120.4); short protein forms P90S, P89S.
Identifiers: ClinVar variation 1033322 (VCV001033322.3), dbSNP rs956834448, ClinGen allele CA347250958.